The following is an entry in ClinVar:

ClinVar aggregate classification (germline): Uncertain significance (1 of 4 stars; one submission).

gnomAD v4.1: 11 of 1,614,004 alleles (0.00068%); highest among the groups gnomAD compares: South Asian, 0.0033%; no homozygotes.

Submission:

GeneDx
Classification: Uncertain significance. Last evaluated: 2025-03-20. Review status: criteria provided, single submitter. Criteria: GeneDx Variant Classification Process June 2021. Collection method: clinical testing. Allele origin: germline. Affected: yes.
Comment: In silico analysis supports that this missense variant has a deleterious effect on protein structure/function; Has not been previously published as pathogenic or benign to our knowledge

NM_001567.4(INPPL1):c.3088C>T (p.Arg1030Trp)

Gene: INPPL1 (inositol polyphosphate phosphatase like 1; plus strand). Cytogenetic location: 11q13.4.
Variant type: single nucleotide variant.
Coding change: c.3088C>T on transcript NM_001567.4 (MANE Select); coding-DNA position 3088, C replaced by T.
Protein change: p.Arg1030Trp; replaces arginine 1030 with tryptophan.
Molecular consequence: missense variant.
Genome position (GRCh38, 1-based): chr11:72,237,332, C>T. VCF-style: chr11-72237332-C-T. GRCh37 (hg19) VCF-style: chr11-71948376-C-T.
Other names: c.3154C>T, p.Arg1052Trp (NM_001440434.1); c.3088C>T, p.Arg1030Trp (NM_001440435.1, NM_001440436.1, NM_001440438.1); c.2947C>T, p.Arg983Trp (NM_001440437.1); short protein forms R1030W, R1052W, R983W.
Identifiers: ClinVar variation 4086746 (VCV004086746.1).